The following is an entry in ClinVar:

NM_004370.6(COL12A1):c.9181+4C>T

Gene: COL12A1 (collagen type XII alpha 1 chain; minus strand). Cytogenetic location: 6q13.
Variant type: single nucleotide variant.
Coding change: c.9181+4C>T on transcript NM_004370.6 (MANE Select); 4 bases into the intron after coding-DNA position 9181, C replaced by T.
Molecular consequence: intron variant.
Genome position (GRCh38, 1-based): chr6:75,087,573, G>A on the plus strand (C>T on the coding strand, the complement: COL12A1 is on the minus strand). VCF-style: chr6-75087573-G-A. GRCh37 (hg19) VCF-style: chr6-75797289-G-A.
Other names: c.5689+4C>T (NM_001424116.1, NM_080645.3); c.8908+4C>T (NM_001424115.1); c.9160+4C>T (NM_001424114.1); c.9181+4C>T (NM_001424113.1).
Identifiers: ClinVar variation 3758291 (VCV003758291.2).

ClinVar aggregate classification (germline): Uncertain significance (1 of 4 stars; one submission).

Conditions:
Ullrich congenital muscular dystrophy 2 (UCMD2). Identifiers: Orphanet 75840, MedGen C4225314, MONDO:0014654, OMIM 616470.
Bethlem myopathy 2 (BTHLM2). Identifiers: Orphanet 536516, Orphanet 610, MedGen C4225313, MONDO:0034022, OMIM 616471.

gnomAD v4.1: 9 of 1,613,284 alleles (0.00056%); highest among the groups gnomAD compares: East Asian, 0.0045%; no homozygotes.

Submission:

Labcorp Genetics (formerly Invitae), Labcorp
Classification: Uncertain significance for Bethlem myopathy 2; Ullrich congenital muscular dystrophy 2. Last evaluated: 2024-09-03. Review status: criteria provided, single submitter. Criteria: Invitae Variant Classification Sherloc (09022015). Collection method: clinical testing. Allele origin: germline.
Comment: This sequence change falls in intron 65 of the COL12A1 gene. It does not directly change the encoded amino acid sequence of the COL12A1 protein. It affects a nucleotide within the consensus splice site. The frequency data for this variant in the population databases is considered unreliable, as metrics indicate poor data quality at this position in the gnomAD database. This variant has not been reported in the literature in individuals affected with COL12A1-related conditions. Variants that disrupt the consensus splice site are a relatively common cause of aberrant splicing (PMID: 17576681, 9536098). Algorithms developed to predict the effect of sequence changes on RNA splicing suggest that this variant is not likely to affect RNA splicing. In summary, the available evidence is currently insufficient to determine the role of this variant in disease. Therefore, it has been classified as a Variant of Uncertain Significance.

Literature cited by the submitters: PubMed 17576681; PubMed 9536098.